The following is an entry in ClinVar:

ClinVar aggregate classification (germline): Uncertain significance (1 of 4 stars; one submission).

Conditions:
Inflammatory bowel disease 1 (IBD1). Also called: Inflammatory bowel disease 1, Crohn disease; INFLAMMATORY BOWEL DISEASE (CROHN DISEASE) 1. Identifiers: MedGen CN260071, MONDO:0009960, OMIM 266600.
Blau syndrome (BLAUS). Also called: GRANULOMATOSIS, FAMILIAL JUVENILE SYSTEMIC; GRANULOMATOSIS, FAMILIAL, BLAU TYPE; GRANULOMATOUS INFLAMMATORY ARTHRITIS, DERMATITIS, AND UVEITIS, FAMILIAL; JABS SYNDROME; ARTHROCUTANEOUVEAL GRANULOMATOSIS. Identifiers: Orphanet 90340, MedGen C5201146, MONDO:0008523, OMIM 186580.

Submission:

Labcorp Genetics (formerly Invitae), Labcorp
Classification: Uncertain significance for Inflammatory bowel disease 1; Blau syndrome. Last evaluated: 2019-03-27. Review status: criteria provided, single submitter. Criteria: Invitae Variant Classification Sherloc (09022015). Collection method: clinical testing. Allele origin: germline.
Comment: This sequence change replaces glycine with aspartic acid at codon 380 of the NOD2 protein (p.Gly380Asp). The glycine residue is highly conserved and there is a moderate physicochemical difference between glycine and aspartic acid. This variant is not present in population databases (ExAC no frequency). This variant has not been reported in the literature in individuals with NOD2-related conditions. Algorithms developed to predict the effect of missense changes on protein structure and function (SIFT, PolyPhen-2, Align-GVGD) all suggest that this variant is likely to be disruptive, but these predictions have not been confirmed by published functional studies and their clinical significance is uncertain. In summary, the available evidence is currently insufficient to determine the role of this variant in disease. Therefore, it has been classified as a Variant of Uncertain Significance.

NM_001370466.1(NOD2):c.1058G>A (p.Gly353Asp)

Gene: NOD2 (nucleotide binding oligomerization domain containing 2; plus strand). Cytogenetic location: 16q12.1.
Variant type: single nucleotide variant.
Coding change: c.1058G>A on transcript NM_001370466.1 (MANE Select); coding-DNA position 1058, G replaced by A.
Protein change: p.Gly353Asp; replaces glycine 353 with aspartic acid.
Molecular consequence: missense variant. On other transcripts: non-coding transcript variant (1).
Genome position (GRCh38, 1-based): chr16:50,711,050, G>A. VCF-style: chr16-50711050-G-A. GRCh37 (hg19) VCF-style: chr16-50744961-G-A.
Other names: c.1058G>A, p.Gly353Asp (NM_001293557.2); c.1139G>A, p.Gly380Asp (NM_022162.3); short protein forms G380D, G353D.
Identifiers: ClinVar variation 838660 (VCV000838660.1), dbSNP rs1964456255, ClinGen allele CA395868306.